The following is an entry in ClinVar:

ClinVar aggregate classification (germline): Uncertain significance (1 of 4 stars; one submission).

Conditions:
Inborn genetic diseases. Identifiers: MedGen C0950123, MeSH D030342.

Submission:

Ambry Genetics
Classification: Uncertain significance for Inborn genetic diseases. Last evaluated: 2026-03-09. Review status: criteria provided, single submitter. Criteria: Ambry Variant Classification Scheme 2023. Collection method: clinical testing. Allele origin: germline.
Comment: The p.A233T variant (also known as c.697G>A), located in coding exon 7 of the FANCA gene, results from a G to A substitution at nucleotide position 697. The alanine at codon 233 is replaced by threonine, an amino acid with similar properties. This amino acid position is conserved. In addition, this alteration is predicted to be tolerated by in silico analysis. Based on the available evidence, the clinical significance of this variant remains unclear.

NM_000135.4(FANCA):c.697G>A (p.Ala233Thr)

Gene: FANCA (FA complementation group A; minus strand). Cytogenetic location: 16q24.3.
Variant type: single nucleotide variant.
Coding change: c.697G>A on transcript NM_000135.4 (MANE Select); coding-DNA position 697, G replaced by A.
Protein change: p.Ala233Thr; replaces alanine 233 with threonine.
Molecular consequence: missense variant.
Genome position (GRCh38, 1-based): chr16:89,805,292, C>T on the plus strand (G>A on the coding strand, the complement: FANCA is on the minus strand). VCF-style: chr16-89805292-C-T. GRCh37 (hg19) VCF-style: chr16-89871700-C-T.
Other names: c.697G>A, p.Ala233Thr (NM_001018112.3, NM_001286167.3); c.601G>A, p.Ala201Thr (NM_001351830.2); short protein forms A233T, A201T.
Identifiers: ClinVar variation 4826919 (VCV004826919.1).